The following is an entry in ClinVar:

NM_001165963.4(SCN1A):c.1258G>C (p.Ala420Pro)

Gene: SCN1A (sodium voltage-gated channel alpha subunit 1; minus strand). Cytogenetic location: 2q24.3.
Variant type: single nucleotide variant.
Coding change: c.1258G>C on transcript NM_001165963.4 (MANE Select); coding-DNA position 1258, G replaced by C.
Protein change: p.Ala420Pro; replaces alanine 420 with proline.
Molecular consequence: missense variant. On other transcripts: 5 prime UTR variant (1), non-coding transcript variant (1).
Genome position (GRCh38, 1-based): chr2:166,046,889, C>G on the plus strand (G>C on the coding strand, the complement: SCN1A is on the minus strand). VCF-style: chr2-166046889-C-G. GRCh37 (hg19) VCF-style: chr2-166903399-C-G.
Other names: c.1258G>C, p.Ala420Pro (NM_001165964.3, NM_001202435.3, NM_001353948.2 and 10 more transcripts); c.-1168G>C (NM_001353961.2); short protein forms A420P.
Identifiers: ClinVar variation 1473513 (VCV001473513.9), dbSNP rs2105862170, ClinGen allele CA349070867.

ClinVar aggregate classification (germline): Likely pathogenic (1 of 4 stars; one submission).

Conditions:
Early-infantile DEE. Also called: Ohtahara syndrome; Early infantile epileptic encephalopathy with suppression bursts; Early infantile epileptic encephalopathy. Identifiers: Orphanet 1934, MedGen C0393706, MONDO:0800491.

Submission:

Labcorp Genetics (formerly Invitae), Labcorp
Classification: Likely pathogenic for Early-infantile DEE. Last evaluated: 2024-04-01. Review status: criteria provided, single submitter. Criteria: Invitae Variant Classification Sherloc (09022015). Collection method: clinical testing. Allele origin: germline.
Comment: This sequence change replaces alanine, which is neutral and non-polar, with proline, which is neutral and non-polar, at codon 420 of the SCN1A protein (p.Ala420Pro). This variant is not present in population databases (gnomAD no frequency). This missense change has been observed in individual(s) with clinical features of SCN1A-related conditions (Invitae). ClinVar contains an entry for this variant (Variation ID: 1473513). Advanced modeling of protein sequence and biophysical properties (such as structural, functional, and spatial information, amino acid conservation, physicochemical variation, residue mobility, and thermodynamic stability) performed at Invitae indicates that this missense variant is expected to disrupt SCN1A protein function with a positive predictive value of 95%. This variant disrupts the p.Ala420 amino acid residue in SCN1A. Other variant(s) that disrupt this residue have been determined to be pathogenic (PMID: 22944210, 26096185). This suggests that this residue is clinically significant, and that variants that disrupt this residue are likely to be disease-causing. In summary, the currently available evidence indicates that the variant is pathogenic, but additional data are needed to prove that conclusively. Therefore, this variant has been classified as Likely Pathogenic.

Literature cited by the submitters: PubMed 22944210; PubMed 26096185.